The following is an entry in ClinVar:

ClinVar aggregate classification (germline): Uncertain significance (1 of 4 stars; one submission).

gnomAD v4.1: 1 of 1,210,103 alleles (0.000083%); highest among the groups gnomAD compares: East Asian, 0.003%; no homozygotes.

Submission:

GeneDx
Classification: Uncertain significance. Last evaluated: 2025-02-24. Review status: criteria provided, single submitter. Criteria: GeneDx Variant Classification Process June 2021. Collection method: clinical testing. Allele origin: germline. Affected: yes.
Comment: Not observed at significant frequency in large population cohorts (gnomAD); In silico analysis indicates that this missense variant does not alter protein structure/function; Has not been previously published as pathogenic or benign to our knowledge

NM_181332.3(NLGN4X):c.130C>G (p.Gln44Glu)

Gene: NLGN4X (neuroligin 4 X-linked; minus strand). Cytogenetic location: Xp22.31.
Variant type: single nucleotide variant.
Coding change: c.130C>G on transcript NM_181332.3 (MANE Select); coding-DNA position 130, C replaced by G.
Protein change: p.Gln44Glu; replaces glutamine 44 with glutamic acid.
Molecular consequence: missense variant.
Genome position (GRCh38, 1-based): chrX:6,151,337, G>C on the plus strand (C>G on the coding strand, the complement: NLGN4X is on the minus strand). VCF-style: chrX-6151337-G-C. GRCh37 (hg19) VCF-style: chrX-6069378-G-C.
Other names: c.130C>G, p.Gln44Glu (NM_001282145.2, NM_001282146.2, NM_001441322.1 and 4 more transcripts); short protein forms Q44E.
Identifiers: ClinVar variation 4076534 (VCV004076534.1).